The following is an entry in ClinVar:

NM_000069.3(CACNA1S):c.1118G>A (p.Gly373Asp)

Gene: CACNA1S (calcium voltage-gated channel subunit alpha1 S; minus strand). Cytogenetic location: 1q32.1.
Variant type: single nucleotide variant.
Coding change: c.1118G>A on transcript NM_000069.3 (MANE Select); coding-DNA position 1118, G replaced by A.
Protein change: p.Gly373Asp; replaces glycine 373 with aspartic acid.
Molecular consequence: missense variant.
Genome position (GRCh38, 1-based): chr1:201,085,468, C>T on the plus strand (G>A on the coding strand, the complement: CACNA1S is on the minus strand). VCF-style: chr1-201085468-C-T. GRCh37 (hg19) VCF-style: chr1-201054596-C-T.
Other names: short protein forms G373D.
Identifiers: ClinVar variation 3070287 (VCV003070287.1), dbSNP rs746722828, ClinGen allele CA344128999.

ClinVar aggregate classification (germline): Uncertain significance (1 of 4 stars; one submission).

Conditions:
Malignant hyperthermia, susceptibility to, 5 (MHS5). Also called: CACNA1S-Related Malignant Hyperthermia Susceptibility. Identifiers: Orphanet 423, MedGen C1866077, MONDO:0011163, OMIM 601887.

gnomAD v4.1: 4 of 1,613,406 alleles (0.00025%); highest among the groups gnomAD compares: Non-Finnish European, 0.00034%; no homozygotes.

Submission:

All of Us Research Program, National Institutes of Health
Classification: Uncertain significance for Malignant hyperthermia, susceptibility to, 5. Last evaluated: 2023-04-03. Review status: criteria provided, single submitter. Criteria: ACMG Guidelines, 2015. Collection method: clinical testing. Allele origin: germline. Inheritance: Autosomal dominant inheritance. Observed: 1 variant allele, 1 heterozygote.
Comment: This missense variant replaces glycine with aspartic acid at codon 373 of the CACNA1S protein. Computational prediction is inconclusive regarding the impact of this variant on protein structure and function (internally defined REVEL score threshold 0.5 < inconclusive < 0.7, PMID: 27666373). To our knowledge, functional studies have not been reported for this variant. This variant has not been reported in individuals affected with CACNA1S-related disorders in the literature. This variant has not been identified in the general population by the Genome Aggregation Database (gnomAD). The available evidence is insufficient to determine the role of this variant in disease conclusively. Therefore, this variant is classified as a Variant of Uncertain Significance.

This study involves interpretation of variants in research participants for the purpose of population health screening. Participant phenotype was not available at the time of variant classification. Additional details can be found in publication PMID: 35346344, PMCID: PMC8962531